The following is an entry in ClinVar:

ClinVar aggregate classification (germline): Uncertain significance (1 of 4 stars; one submission).

Allele frequency attached by ClinVar (database versions not stated): gnomAD exomes below 0.00001; gnomAD 0.00001.
gnomAD v4.1: 11 of 1,608,198 alleles (0.00068%); highest among the groups gnomAD compares: Admixed American, 0.0017%; no homozygotes.

Submission:

Labcorp Genetics (formerly Invitae), Labcorp
Classification: Uncertain significance. Last evaluated: 2021-12-02. Review status: criteria provided, single submitter. Criteria: Invitae Variant Classification Sherloc (09022015). Collection method: clinical testing. Allele origin: germline.
Comment: In summary, the available evidence is currently insufficient to determine the role of this variant in disease. Therefore, it has been classified as a Variant of Uncertain Significance. Algorithms developed to predict the effect of sequence changes on RNA splicing suggest that this variant may create or strengthen a splice site. Algorithms developed to predict the effect of missense changes on protein structure and function output the following: SIFT: "Tolerated"; PolyPhen-2: "Benign"; Align-GVGD: "Class C0". The glutamine amino acid residue is found in multiple mammalian species, which suggests that this missense change does not adversely affect protein function. This variant has not been reported in the literature in individuals affected with SHPK-related conditions. This variant is present in population databases (no rsID available, gnomAD 0.003%). This sequence change replaces arginine, which is basic and polar, with glutamine, which is neutral and polar, at codon 470 of the SHPK protein (p.Arg470Gln).

NM_013276.4(SHPK):c.1409G>A (p.Arg470Gln)

Gene: SHPK (sedoheptulokinase; minus strand). Cytogenetic location: 17p13.2.
Variant type: single nucleotide variant.
Coding change: c.1409G>A on transcript NM_013276.4 (MANE Select); coding-DNA position 1409, G replaced by A.
Protein change: p.Arg470Gln; replaces arginine 470 with glutamine.
Molecular consequence: missense variant.
Genome position (GRCh38, 1-based): chr17:3,610,588, C>T on the plus strand (G>A on the coding strand, the complement: SHPK is on the minus strand). VCF-style: chr17-3610588-C-T. GRCh37 (hg19) VCF-style: chr17-3513882-C-T.
Other names: short protein forms R470Q.
Identifiers: ClinVar variation 1427541 (VCV001427541.8), dbSNP rs1020355454, ClinGen allele CA287026966.